The following is an entry in ClinVar:

NM_000059.4(BRCA2):c.9418G>C (p.Ala3140Pro)

Gene: BRCA2 (BRCA2 DNA repair associated; plus strand). Cytogenetic location: 13q13.1.
Variant type: single nucleotide variant.
Coding change: c.9418G>C on transcript NM_000059.4 (MANE Select); coding-DNA position 9418, G replaced by C.
Protein change: p.Ala3140Pro; replaces alanine 3140 with proline.
Molecular consequence: missense variant.
Genome position (GRCh38, 1-based): chr13:32,394,850, G>C. VCF-style: chr13-32394850-G-C. GRCh37 (hg19) VCF-style: chr13-32968987-G-C.
Other names: short protein forms A3140P.
Identifiers: ClinVar variation 187151 (VCV000187151.16), dbSNP rs786203511, ClinGen allele CA026148.
Genomic context (GRCh38, chr13:32,394,850, plus strand): 5'-ATTGCTGCAAGCAACCTCCAGTGGCGACCAGAATCCAAATCAGGCCTTCTTACTTTATTT[G>C]CTGGAGATTTTTCTGTGTTTTCTGCTAGTCCAAAAGAGGGCCACTTTCAAGAGACATTCA-3'
Protein context (NP_000050.3, residues 3130-3150): ESKSGLLTLF[Ala3140Pro]GDFSVFSASP

ClinVar aggregate classification (germline): Uncertain significance. Review status: criteria provided, multiple submitters, no conflicts (2 of 4 stars). 3 submissions from 3 submitters: Uncertain significance (3). Last evaluated 2025-05-29.

Conditions:
Hereditary cancer-predisposing syndrome. Also called: Neoplastic Syndromes, Hereditary; Tumor predisposition; Hereditary Cancer Syndrome; Hereditary neoplastic syndrome. Identifiers: Orphanet 140162, MedGen C0027672, MeSH D009386, MONDO:0015356.
Hereditary breast ovarian cancer syndrome. Also called: Hereditary breast and ovarian cancer; Hereditary breast and/or ovarian cancer syndrome; BRCA1- and BRCA2-Associated Hereditary Breast and Ovarian Cancer; Hereditary breast and ovarian cancer syndrome (HBOC); Hereditary breast and ovarian cancer syndrome; Breast and ovarian cancer. Identifiers: Orphanet 145, MedGen C0677776, MeSH D061325, MONDO:0003582. Disease mechanism: loss of function.

Allele frequency attached by ClinVar (database versions not stated): gnomAD exomes below 0.00001.
gnomAD v4.1: 1 of 1,614,070 alleles (0.000062%); highest among the groups gnomAD compares: Non-Finnish European, 0.000085%; no homozygotes.

Submissions (3):

Ambry Genetics
Classification: Uncertain significance for Hereditary cancer-predisposing syndrome. Last evaluated: 2025-05-29. Review status: criteria provided, single submitter. Criteria: Ambry Variant Classification Scheme 2023. Collection method: clinical testing. Allele origin: germline.
Comment: The p.A3140P variant (also known as c.9418G>C), located in coding exon 24 of the BRCA2 gene, results from a G to C substitution at nucleotide position 9418. The alanine at codon 3140 is replaced by proline, an amino acid with highly similar properties. Two saturation genome editing-based studies, including a haploid cell-survival assay and a humanized mouse embryonic stem cell line assay of drug response and survival, demonstrate that this nucleotide substitution is non-functional (Huang H et al. Nature. 2025 Feb;638(8050):528-537; Sahu S et al. Nature. 2025 Feb;638(8050):538-545). This variant had an intermediate impact in a homology-directed repair assay (External communication). This amino acid position is highly conserved in available vertebrate species. In addition, this alteration is predicted to be deleterious by in silico analysis. Based on the available evidence, the clinical significance of this variant remains unclear.

Color Diagnostics, LLC DBA Color Health
Classification: Uncertain significance for Hereditary cancer-predisposing syndrome. Last evaluated: 2024-03-25. Review status: criteria provided, single submitter. Criteria: ACMG Guidelines, 2015. Collection method: clinical testing. Allele origin: germline.
Comment: This missense variant replaces alanine with proline at codon 3140 of the BRCA2 protein. Computational prediction suggests that this variant may have deleterious impact on protein structure and function. To our knowledge, functional studies have not been reported for this variant. This variant has not been reported in individuals affected with BRCA2-related disorders in the literature. This variant has not been identified in the general population by the Genome Aggregation Database (gnomAD). The available evidence is insufficient to determine the role of this variant in disease conclusively. Therefore, this variant is classified as a Variant of Uncertain Significance.

Labcorp Genetics (formerly Invitae), Labcorp
Classification: Uncertain significance for Hereditary breast ovarian cancer syndrome. Last evaluated: 2023-07-17. Review status: criteria provided, single submitter. Criteria: Invitae Variant Classification Sherloc (09022015). Collection method: clinical testing. Allele origin: germline.
Comment: In summary, the available evidence is currently insufficient to determine the role of this variant in disease. Therefore, it has been classified as a Variant of Uncertain Significance. Advanced modeling of protein sequence and biophysical properties (such as structural, functional, and spatial information, amino acid conservation, physicochemical variation, residue mobility, and thermodynamic stability) has been performed at Invitae for this missense variant, however the output from this modeling did not meet the statistical confidence thresholds required to predict the impact of this variant on BRCA2 protein function. ClinVar contains an entry for this variant (Variation ID: 187151). This variant has not been reported in the literature in individuals affected with BRCA2-related conditions. This variant is not present in population databases (gnomAD no frequency). This sequence change replaces alanine, which is neutral and non-polar, with proline, which is neutral and non-polar, at codon 3140 of the BRCA2 protein (p.Ala3140Pro).

Literature cited by the submitters: PubMed 39779848 (cited by Ambry Genetics); PubMed 39779857 (cited by Ambry Genetics).